The following is an entry in ClinVar:

ClinVar aggregate classification (germline): Uncertain significance (1 of 4 stars; one submission).

Allele frequency attached by ClinVar (database versions not stated): gnomAD exomes below 0.00001.
gnomAD v4.1: 3 of 1,613,208 alleles (0.00019%); highest among the groups gnomAD compares: Admixed American, 0.0017%; no homozygotes.

Submission:

Labcorp Genetics (formerly Invitae), Labcorp
Classification: Uncertain significance. Last evaluated: 2024-02-23. Review status: criteria provided, single submitter. Criteria: Invitae Variant Classification Sherloc (09022015). Collection method: clinical testing. Allele origin: germline.
Comment: This sequence change replaces asparagine, which is neutral and polar, with serine, which is neutral and polar, at codon 724 of the DSCAML1 protein (p.Asn724Ser). This variant is present in population databases (no rsID available, gnomAD 0.003%). This variant has not been reported in the literature in individuals affected with DSCAML1-related conditions. ClinVar contains an entry for this variant (Variation ID: 2133872). An algorithm developed to predict the effect of missense changes on protein structure and function (PolyPhen-2) suggests that this variant is likely to be disruptive. In summary, the available evidence is currently insufficient to determine the role of this variant in disease. Therefore, it has been classified as a Variant of Uncertain Significance.

NM_020693.4(DSCAML1):c.1991A>G (p.Asn664Ser)

Gene: DSCAML1 (DS cell adhesion molecule like 1; minus strand). Cytogenetic location: 11q23.3.
Variant type: single nucleotide variant.
Coding change: c.1991A>G on transcript NM_020693.4 (MANE Select); coding-DNA position 1991, A replaced by G.
Protein change: p.Asn664Ser; replaces asparagine 664 with serine.
Molecular consequence: missense variant.
Genome position (GRCh38, 1-based): chr11:117,505,525, T>C on the plus strand (A>G on the coding strand, the complement: DSCAML1 is on the minus strand). VCF-style: chr11-117505525-T-C. GRCh37 (hg19) VCF-style: chr11-117376240-T-C.
Other names: c.1991A>G, p.Asn664Ser (NM_001367904.1); short protein forms N664S.
Identifiers: ClinVar variation 2133872 (VCV002133872.4), dbSNP rs1422359290, ClinGen allele CA382755128.
Genomic context (GRCh38, chr11:117,505,525, plus strand): 5'-AGCTGGCGCTCCCGGCTCACGGTGGCGGCTGCGTTGCTGGCGATGCATGTATAGTTGCCG[T>C]TGTGCTTGAGGGAGACGCTAGAGATCTGCAGGGAGCTCATGAATTCCTTGCTCTCGATGG-3'
Protein context (NP_065744.3, residues 654-674): LQISSVSLKH[Asn664Ser]GNYTCIASNA